The following is an entry in ClinVar:

ClinVar aggregate classification (germline): Conflicting classifications of pathogenicity. Review status: criteria provided, conflicting classifications (1 of 4 stars). 2 submissions from 2 submitters: Uncertain significance (1); Likely benign (1). Last evaluated 2024-09-20.

Conditions:
Ventriculomegaly and arthrogryposis. Identifiers: MedGen C5561973, MONDO:0859184, OMIM 619501.

Allele frequency attached by ClinVar (database versions not stated): ExAC 0.00004; gnomAD 0.00007; TOPMed 0.00007; 1000 Genomes Project 30x 0.00031; 1000 Genomes Project 0.00040.
gnomAD v4.1: 48 of 1,600,968 alleles (0.003%); highest among the groups gnomAD compares: African/African-American, 0.013%; no homozygotes.

Submissions (2):

3billion
Classification: Likely benign for Ventriculomegaly and arthrogryposis. Last evaluated: 2024-09-20. Review status: criteria provided, single submitter. Criteria: ACMG Guidelines, 2015. Collection method: clinical testing. Allele origin: germline. Affected: no.
Comment: The homozygous variant was found in patients diagnosed with another variant in a different gene, with no symptoms related to the gene containing the homozygous variant.

Labcorp Genetics (formerly Invitae), Labcorp
Classification: Uncertain significance. Last evaluated: 2024-03-19. Review status: criteria provided, single submitter. Criteria: Invitae Variant Classification Sherloc (09022015). Collection method: clinical testing. Allele origin: germline.
Comment: This sequence change replaces valine, which is neutral and non-polar, with isoleucine, which is neutral and non-polar, at codon 9 of the KIDINS220 protein (p.Val9Ile). This variant is present in population databases (rs201363981, gnomAD 0.02%). This variant has not been reported in the literature in individuals affected with KIDINS220-related conditions. ClinVar contains an entry for this variant (Variation ID: 2152522). An algorithm developed to predict the effect of missense changes on protein structure and function (PolyPhen-2) suggests that this variant is likely to be tolerated. In summary, the available evidence is currently insufficient to determine the role of this variant in disease. Therefore, it has been classified as a Variant of Uncertain Significance.

NM_020738.4(KIDINS220):c.25G>A (p.Val9Ile)

Gene: KIDINS220 (kinase D interacting substrate 220; minus strand). Cytogenetic location: 2p25.1.
Variant type: single nucleotide variant.
Coding change: c.25G>A on transcript NM_020738.4 (MANE Select); coding-DNA position 25, G replaced by A.
Protein change: p.Val9Ile; replaces valine 9 with isoleucine.
Molecular consequence: missense variant. On other transcripts: 5 prime UTR variant (1), non-coding transcript variant (2).
Genome position (GRCh38, 1-based): chr2:8,827,069, C>T on the plus strand (G>A on the coding strand, the complement: KIDINS220 is on the minus strand). VCF-style: chr2-8827069-C-T. GRCh37 (hg19) VCF-style: chr2-8967199-C-T.
Other names: c.-273G>A (NM_001348736.2); c.25G>A, p.Val9Ile (NM_001348738.2, NM_001348739.2, NM_001348740.2 and 9 more transcripts); short protein forms V9I.
Identifiers: ClinVar variation 2152522 (VCV002152522.5), dbSNP rs201363981, ClinGen allele CA1520560.